The following is an entry in ClinVar:

ClinVar aggregate classification (germline): Pathogenic/Likely pathogenic. Review status: criteria provided, multiple submitters, no conflicts (2 of 4 stars). 2 submissions from 2 submitters: Pathogenic (1); Likely pathogenic (1). Last evaluated 2026-09-29.

Conditions:
Pheochromocytoma/paraganglioma syndrome 5. Also called: Paragangliomas 5; SDHA-Related Hereditary Paraganglioma-Pheochromocytoma Syndrome. Identifiers: Orphanet 29072, MedGen C3279992, MONDO:0013602, OMIM 614165.
Hereditary cancer-predisposing syndrome. Also called: Neoplastic Syndromes, Hereditary; Tumor predisposition; Hereditary neoplastic syndrome; Hereditary Cancer Syndrome. Identifiers: Orphanet 140162, MedGen C0027672, MeSH D009386, MONDO:0015356.

Submissions (2):

Myriad Genetics, Inc.
Classification: Likely pathogenic for Pheochromocytoma/paraganglioma syndrome 5. Last evaluated: 2026-09-29. Review status: criteria provided, single submitter. Criteria: Myriad Autosomal Dominant, Autosomal Recessive and X-Linked Classification Criteria (2023). Collection method: clinical testing. Allele origin: unknown.
Comment: This variant is considered likely pathogenic. This variant occurs within a consensus splice junction and is predicted to result in abnormal mRNA splicing of either an out-of-frame exon or an in-frame exon necessary for protein stability and/or normal function.

Ambry Genetics
Classification: Pathogenic for Hereditary cancer-predisposing syndrome. Last evaluated: 2025-11-21. Review status: criteria provided, single submitter. Criteria: Ambry Variant Classification Scheme 2023. Collection method: clinical testing. Allele origin: germline.
Comment: The c.895+1dupG intronic pathogenic mutation results from a duplication of one nucleotide at nucleotide position 895+1 after exon 7 of the SDHA gene. This nucleotide position is highly conserved in available vertebrate species. In silico splice site analysis predicts that this alteration will weaken the native splice donor site and may result in the creation or strengthening of a novel splice donor site. This variant is considered to be rare based on population cohorts in the Genome Aggregation Database (gnomAD). This alteration is expected to result in loss of function by premature protein truncation or nonsense-mediated mRNA decay. As such, this alteration is interpreted as a disease-causing mutation.

NM_004168.4(SDHA):c.895+1dup

Gene: SDHA (succinate dehydrogenase complex flavoprotein subunit A; plus strand). Cytogenetic location: 5p15.33.
Variant type: Duplication.
Coding change: c.895+1dup on transcript NM_004168.4 (MANE Select); the canonical splice donor site of the intron after coding-DNA position 895, one base duplicated (G; older notation c.895+1dupG).
Molecular consequence: splice donor variant.
Genome position (GRCh38, 1-based): chr5:231,001, G duplicated; the last of 2 consecutive G bases (chr5:231,000-231,001); duplicating either gives the same sequence. VCF-style (leftmost placement, unchanged base first): chr5-230999-A-AG. GRCh37 (hg19) VCF-style: chr5-231114-A-AG.
Other names: c.895+1dup (NM_001330758.2); c.751+1dup (NM_001294332.2).
Identifiers: ClinVar variation 4546916 (VCV004546916.2).